The following is an entry in ClinVar:

ClinVar aggregate classification (germline): Pathogenic (1 of 4 stars; one submission).

Conditions:
Megalencephalic leukoencephalopathy with subcortical cysts 1 (MLC1). Also called: LEUKOENCEPHALOPATHY WITH SWELLING AND CYSTS; VACUOLATING MEGALENCEPHALIC LEUKOENCEPHALOPATHY WITH SUBCORTICAL CYSTS. Identifiers: Orphanet 2478, MedGen C5779875, MONDO:0024555, OMIM 604004.

Submission:

Myriad Genetics, Inc.
Classification: Pathogenic for Megalencephalic leukoencephalopathy with subcortical cysts 1. Last evaluated: 2026-07-14. Review status: criteria provided, single submitter. Criteria: Myriad Autosomal Dominant, Autosomal Recessive and X-Linked Classification Criteria (2023). Collection method: clinical testing. Allele origin: unknown.
Comment: NM_015166.3(MLC1):c.185_207del23ins6(L62Pfs*12) is expected to be pathogenic in the context of megalencephalic leukoencephalopathy with subcortical cysts. This variant is predicted to lead to an abnormal or absent protein product due to the creation of a premature termination codon in MLC1, a gene where loss-of-function variants are known to be pathogenic. Please note: this variant was assessed in the context of healthy population screening.

NM_015166.4(MLC1):c.185_207delinsCACAGA (p.Leu62fs)

Genes: MLC1 (modulator of VRAC current 1; minus strand), LOC125446261 (Sharpr-MPRA regulatory region 9327; plus strand). Cytogenetic location: 22q13.33.
Variant type: Indel.
Coding change: c.185_207delinsCACAGA on transcript NM_015166.4 (MANE Select); coding-DNA positions 185 to 207, TCCTGGTGACCTCGGGGTTTTCG replaced by CACAGA.
Protein change: p.Leu62fs; shifts the reading frame from leucine 62.
Molecular consequence: frameshift variant. On other transcripts: 5 prime UTR variant (1), non-coding transcript variant (3), intron variant (1).
Genome position (GRCh38, 1-based): chr22:50,083,144-50,083,166, CGAAAACCCCGAGGTCACCAGGA replaced by TCTGTG on the plus strand (TCCTGGTGACCTCGGGGTTTTCG replaced by CACAGA on the coding strand, the reverse complement: MLC1 is on the minus strand). VCF-style: chr22-50083144-CGAAAACCCCGAGGTCACCAGGA-TCTGTG. GRCh37 (hg19) VCF-style: chr22-50521573-CGAAAACCCCGAGGTCACCAGGA-TCTGTG.
Other names: c.185_207delinsCACAGA, p.Leu62fs (NM_001376472.1, NM_001376473.1, NM_001376474.1 and 9 more transcripts); c.-53_-31delinsCACAGA (NM_001376484.1); c.177+1560_177+1582delinsCACAGA (NM_001376480.1); short protein forms L62fs.
Identifiers: ClinVar variation 5016126 (VCV005016126.1).